The following is an entry in ClinVar:

ClinVar aggregate classification (germline): Uncertain significance (1 of 4 stars; one submission).

gnomAD v4.1: 2 of 1,614,166 alleles (0.00012%); highest among the groups gnomAD compares: Non-Finnish European, 0.00017%; no homozygotes.

Submission:

GeneDx
Classification: Uncertain significance. Last evaluated: 2024-08-30. Review status: criteria provided, single submitter. Criteria: GeneDx Variant Classification Process June 2021. Collection method: clinical testing. Allele origin: germline. Affected: yes.
Comment: Not observed at significant frequency in large population cohorts (gnomAD); In silico analysis supports that this missense variant has a deleterious effect on protein structure/function; Has not been previously published as pathogenic or benign to our knowledge

NM_025137.4(SPG11):c.4791G>T (p.Trp1597Cys)

Gene: SPG11 (SPG11 vesicle trafficking associated, spatacsin; minus strand). Cytogenetic location: 15q21.1.
Variant type: single nucleotide variant.
Coding change: c.4791G>T on transcript NM_025137.4 (MANE Select); coding-DNA position 4791, G replaced by T.
Protein change: p.Trp1597Cys; replaces tryptophan 1597 with cysteine.
Molecular consequence: missense variant.
Genome position (GRCh38, 1-based): chr15:44,589,367, C>A on the plus strand (G>T on the coding strand, the complement: SPG11 is on the minus strand). VCF-style: chr15-44589367-C-A. GRCh37 (hg19) VCF-style: chr15-44881565-C-A.
Other names: c.4791G>T, p.Trp1597Cys (NM_001160227.2, NM_001411132.1); short protein forms W1597C.
Identifiers: ClinVar variation 3767719 (VCV003767719.1).
Genomic context (GRCh38, chr15:44,589,367, plus strand): 5'-ATACTGGGTCTTACACTGCTGTAGCATAAGCTTCAAAAGGAAACACACCTGATCCTCCAG[C>A]CACATGGCAGGGATGACAGGGTGGACCTTTGTGGCTGCTGTGTTAAGCTATGAAAGAAAA-3'
Protein context (NP_079413.3, residues 1587-1607): TKVHPVIPAM[Trp1597Cys]LEDQVCFLLK